The following continues an entry in ClinVar:

NM_033337.3(CAV3):c.233C>T (p.Thr78Met)

ClinVar aggregate classification (germline): Conflicting classifications of pathogenicity. Uncertain significance (5); Benign (8); Likely benign (8).

Submissions 20 to 26 of 26:

Biesecker Lab/Clinical Genomics Section, National Institutes of Health
Classification: Likely benign for isolated hyperkalemia; Long QT syndrome. Last evaluated: 2013-06-24. Review status: criteria provided, single submitter. Criteria: Ng et al. (Circ Cardiovasc Genet. 2013). Collection method: research. Allele origin: unknown. Observed: 5 variant alleles. Study: ClinSeq.
Comment: The study set was not selected for affection status in relation to any cancer. Pathogenicity categories were based on literature curation. See Pubmed ID:23861362 for details.

Medical sequencing

Stanford Center for Inherited Cardiovascular Disease, Stanford University
Classification: Uncertain significance. Review status: criteria provided, single submitter. Criteria: ACMG Guidelines, 2015. Collection method: provider interpretation. Allele origin: germline.

PreventionGenetics, part of Exact Sciences
Classification: Likely benign for CAV3-related condition. Last evaluated: 2019-02-19. Review status: no assertion criteria provided. Collection method: clinical testing. Allele origin: germline. Not counted in ClinVar's aggregate classification.
Comment: This variant is classified as likely benign based on ACMG/AMP sequence variant interpretation guidelines (Richards et al. 2015 PMID: 25741868, with internal and published modifications).

Leiden Muscular Dystrophy (CAV3)
No classification provided. Last evaluated: 2012-04-15. Review status: no classification provided. Collection method: curation. Allele origin: germline. Not counted in ClinVar's aggregate classification.

OMIM
Classification: Pathogenic for LONG QT SYNDROME 9. Last evaluated: 2007-02-01. Review status: no assertion criteria provided. Collection method: literature only. Allele origin: germline. Not counted in ClinVar's aggregate classification.

OMIM
Classification: Pathogenic for LONG QT SYNDROME 2/9, DIGENIC. Last evaluated: 2007-02-01. Review status: no assertion criteria provided. Collection method: literature only. Allele origin: germline. Not counted in ClinVar's aggregate classification.

Zaffran Lab, Genetics of Cardiac Diseases Laboratory, Marseille Medical Genetics
Classification: Uncertain significance for hypertrophic cardiomyopathy. Review status: no assertion criteria provided. Collection method: research. Allele origin: unknown. Affected: yes. Not counted in ClinVar's aggregate classification.

Literature cited by the submitters: PubMed 28898996 (cited by Athena Diagnostics); PubMed 19773168 (cited by Athena Diagnostics); PubMed 27312022 (cited by Athena Diagnostics); PubMed 26159999 (cited by Athena Diagnostics); PubMed 27600940 (cited by Athena Diagnostics); PubMed 25757662 (cited by Athena Diagnostics); PubMed 29501670 (cited by Athena Diagnostics); PubMed 27483260 (cited by Athena Diagnostics); PubMed 31043699 (cited by Athena Diagnostics); PubMed 30704477 (cited by Athena Diagnostics); PubMed 29396561 (cited by Athena Diagnostics); PubMed 28407228 (cited by Athena Diagnostics); PubMed 24021552 (cited by Athena Diagnostics and Women's Health and Genetics/Laboratory Corporation of America, LabCorp); PubMed 23465283 (cited by Athena Diagnostics and Illumina Laboratory Services, Illumina); PubMed 23640888 (cited by Athena Diagnostics and Women's Health and Genetics/Laboratory Corporation of America, LabCorp); PubMed 24070816 (cited by Athena Diagnostics and Women's Health and Genetics/Laboratory Corporation of America, LabCorp); PubMed 24123366 (cited by Athena Diagnostics and Women's Health and Genetics/Laboratory Corporation of America, LabCorp); PubMed 16770780 (cited by 4 submitters); PubMed 17060380 (cited by 5 submitters); PubMed 17210839 (cited by Athena Diagnostics and Women's Health and Genetics/Laboratory Corporation of America, LabCorp); PubMed 17275750 (cited by 4 submitters); PubMed 18253147 (cited by 3 submitters); PubMed 24503780 (cited by Athena Diagnostics and Women's Health and Genetics/Laboratory Corporation of America, LabCorp); PubMed 22245016 (cited by 3 submitters); PubMed 22378279 (cited by 3 submitters); PubMed 22595201 (cited by Athena Diagnostics and Illumina Laboratory Services, Illumina); PubMed 22584458 (cited by Women's Health and Genetics/Laboratory Corporation of America, LabCorp); PubMed 15580566 (cited by OMIM).